The following is an entry in ClinVar:

NM_001244008.2(KIF1A):c.3640+3dup

Gene: KIF1A (kinesin family member 1A; minus strand). Cytogenetic location: 2q37.3.
Variant type: Duplication.
Coding change: c.3640+3dup on transcript NM_001244008.2 (MANE Select); 3 bases into the intron after coding-DNA position 3640, one base duplicated (A; older notation c.3640+3dupA).
Molecular consequence: intron variant.
Genome position (GRCh38, 1-based): chr2:240,742,926, T duplicated on the plus strand (A on the coding strand, the reverse complement: KIF1A is on the minus strand). VCF-style (leftmost placement, unchanged base first): chr2-240742925-C-CT. GRCh37 (hg19) VCF-style: chr2-241682342-C-CT.
Other names: c.3337+3dup (NM_001379653.1, NM_001379650.1, NM_001379641.1 and 5 more transcripts); c.3613+3dup (NM_001379645.1, NM_001379633.1, NM_001379642.1); c.3439+3dup (NM_001379635.1, NM_001330290.2, NM_001379646.1 and 1 more transcripts); c.3334+3dup (NM_001379640.1); c.3589+3dup (NM_001379632.1); c.3412+3dup (NM_001379637.1, NM_001379648.1); c.3364+3dup (NM_001320705.2, NM_001379638.1, NM_001330289.2); c.3715+3dup (NM_001379631.1).
Identifiers: ClinVar variation 1420545 (VCV001420545.6), dbSNP rs1414754009, ClinGen allele CA766945647.

ClinVar aggregate classification (germline): Uncertain significance (1 of 4 stars; one submission).

Conditions:
Hereditary spastic paraplegia 30. Identifiers: Orphanet 101010, MedGen C5235139, MONDO:0012476.
Neuropathy, hereditary sensory, type 2C. Also called: Hereditary sensory and autonomic neuropathy type IIC; KIF1A-Related HSAN2 (HSAN2C). Identifiers: Orphanet 970, MedGen C3280168, MONDO:0013634, OMIM 614213.
Intellectual disability, autosomal dominant 9 (NESCAVS). Also called: NESCAV SYNDROME; KIF1A-Related Neurodevelopmental Disorder. Identifiers: Orphanet 662367, MedGen C5393830, MONDO:0013656, OMIM 614255.

Allele frequency attached by ClinVar (database versions not stated): gnomAD exomes below 0.00001; gnomAD 0.00001; TOPMed 0.00002.

Submission:

Labcorp Genetics (formerly Invitae), Labcorp
Classification: Uncertain significance for Hereditary spastic paraplegia 30; Neuropathy, hereditary sensory, type 2C; Intellectual disability, autosomal dominant 9. Last evaluated: 2023-11-27. Review status: criteria provided, single submitter. Criteria: Invitae Variant Classification Sherloc (09022015). Collection method: clinical testing. Allele origin: germline.
Comment: This sequence change falls in intron 31 of the KIF1A gene. It does not directly change the encoded amino acid sequence of the KIF1A protein. It affects a nucleotide within the consensus splice site. This variant is not present in population databases (gnomAD no frequency). This variant has not been reported in the literature in individuals affected with KIF1A-related conditions. ClinVar contains an entry for this variant (Variation ID: 1420545). Variants that disrupt the consensus splice site are a relatively common cause of aberrant splicing (PMID: 17576681, 9536098). Algorithms developed to predict the effect of sequence changes on RNA splicing suggest that this variant is not likely to affect RNA splicing. In summary, the available evidence is currently insufficient to determine the role of this variant in disease. Therefore, it has been classified as a Variant of Uncertain Significance.

Literature cited by the submitters: PubMed 17576681; PubMed 9536098.